The following is an entry in ClinVar:

NM_001386135.1(AFF3):c.3432G>A (p.Pro1144=)

Gene: AFF3 (ALF transcription elongation factor 3; minus strand). Cytogenetic location: 2q11.2.
Variant type: single nucleotide variant.
Coding change: c.3432G>A on transcript NM_001386135.1 (MANE Select); coding-DNA position 3432, G replaced by A.
Protein change: p.Pro1144=; no amino-acid change (proline 1144 retained).
Molecular consequence: synonymous variant.
Genome position (GRCh38, 1-based): chr2:99,554,438, C>T on the plus strand (G>A on the coding strand, the complement: AFF3 is on the minus strand). VCF-style: chr2-99554438-C-T. GRCh37 (hg19) VCF-style: chr2-100170900-C-T.
Other names: c.3507G>A, p.Pro1169= (NM_001025108.2); c.3432G>A, p.Pro1144= (NM_002285.3).
Identifiers: ClinVar variation 5038699 (VCV005038699.1).
Genomic context (GRCh38, chr2:99,554,438, plus strand): 5'-GATGCTGACGTGGTTGGCCGCCATCTGGTGGATGCGCTGTGGGATGCTGACGATGGTCGA[C>T]GGGGACAGGGCGCTGGCGTTGGAGAGGCTGCCCTGAGACCCCACGGAGCTGGCGGGAGAG-3'
Protein context (NP_001373064.1, residues 1134-1154): GSLSNASALS[Pro1144=]STIVSIPQRI

ClinVar aggregate classification (germline): Likely benign (1 of 4 stars; one submission).

gnomAD v4.1: 63 of 1,614,110 alleles (0.0039%); highest among the groups gnomAD compares: Admixed American, 0.017%; no homozygotes.

Submission:

CeGaT Center for Human Genetics Tuebingen
Classification: Likely benign. Last evaluated: 2026-08-01. Review status: criteria provided, single submitter. Criteria: CeGaT Center For Human Genetics Tuebingen Variant Classification Criteria Version 2. Collection method: clinical testing. Allele origin: germline. Affected: yes. Observed: 1 variant allele.
Comment: AFF3: BP4, BP7